The following is an entry in ClinVar:

NM_000179.3(MSH6):c.248C>A (p.Ala83Asp)

Genes: MSH6 (mutS homolog 6; plus strand), LOC129933707 (ATAC-STARR-seq lymphoblastoid silent region 11468; plus strand). Cytogenetic location: 2p16.3.
Variant type: single nucleotide variant.
Coding change: c.248C>A on transcript NM_000179.3 (MANE Select); coding-DNA position 248, C replaced by A.
Protein change: p.Ala83Asp; replaces alanine 83 with aspartic acid.
Molecular consequence: missense variant. On other transcripts: 5 prime UTR variant (1), intron variant (1).
Genome position (GRCh38, 1-based): chr2:47,783,481, C>A. VCF-style: chr2-47783481-C-A. GRCh37 (hg19) VCF-style: chr2-48010620-C-A.
Other names: c.-489C>A (NM_001281493.2); c.237+11C>A (NM_001281492.2); short protein forms A83D.
Identifiers: ClinVar variation 419824 (VCV000419824.17), dbSNP rs876661197, ClinGen allele CA16617620.

ClinVar aggregate classification (germline): Uncertain significance. Review status: criteria provided, multiple submitters, no conflicts (2 of 4 stars). 5 submissions from 5 submitters: Uncertain significance (5). Last evaluated 2025-03-12.

Conditions:
Hereditary cancer-predisposing syndrome. Also called: Hereditary neoplastic syndrome; Tumor predisposition; Neoplastic Syndromes, Hereditary; Hereditary Cancer Syndrome. Identifiers: Orphanet 140162, MedGen C0027672, MeSH D009386, MONDO:0015356.
Hereditary nonpolyposis colorectal neoplasms. Identifiers: MedGen C0009405, MeSH D003123.
Endometrial carcinoma. Also called: Endometrial carcinoma, somatic. Identifiers: MedGen C0476089, MONDO:0002447, OMIM 608089, HP:0012114.
Lynch syndrome. Identifiers: Orphanet 144, MedGen C4552100, MONDO:0005835. Disease mechanism: loss of function.

Allele frequency attached by ClinVar (database versions not stated): TOPMed below 0.00001.
gnomAD v4.1: 2 of 1,431,812 alleles (0.00014%); highest among the groups gnomAD compares: Non-Finnish European, 0.00018%; no homozygotes.

Submissions (5):

Labcorp Genetics (formerly Invitae), Labcorp
Classification: Uncertain significance for Hereditary nonpolyposis colorectal neoplasms. Last evaluated: 2025-03-12. Review status: criteria provided, single submitter. Criteria: Invitae Variant Classification Sherloc (09022015). Collection method: clinical testing. Allele origin: germline.
Comment: This sequence change replaces alanine, which is neutral and non-polar, with aspartic acid, which is acidic and polar, at codon 83 of the MSH6 protein (p.Ala83Asp). This variant is not present in population databases (gnomAD no frequency). This variant has not been reported in the literature in individuals affected with MSH6-related conditions. ClinVar contains an entry for this variant (Variation ID: 419824). Invitae Evidence Modeling of protein sequence and biophysical properties (such as structural, functional, and spatial information, amino acid conservation, physicochemical variation, residue mobility, and thermodynamic stability) indicates that this missense variant is not expected to disrupt MSH6 protein function with a negative predictive value of 95%. In summary, the available evidence is currently insufficient to determine the role of this variant in disease. Therefore, it has been classified as a Variant of Uncertain Significance.

Ambry Genetics
Classification: Uncertain significance for Hereditary cancer-predisposing syndrome. Last evaluated: 2024-03-30. Review status: criteria provided, single submitter. Criteria: Ambry Variant Classification Scheme 2023. Collection method: clinical testing. Allele origin: germline.
Comment: The p.A83D variant (also known as c.248C>A), located in coding exon 1 of the MSH6 gene, results from a C to A substitution at nucleotide position 248. The alanine at codon 83 is replaced by aspartic acid, an amino acid with dissimilar properties. This amino acid position is well conserved in available vertebrate species. In addition, this alteration is predicted to be tolerated by in silico analysis. Since supporting evidence is limited at this time, the clinical significance of this alteration remains unclear.

Baylor Genetics
Classification: Uncertain significance for Endometrial carcinoma. Last evaluated: 2023-10-10. Review status: criteria provided, single submitter. Criteria: ACMG Guidelines, 2015. Collection method: clinical testing. Allele origin: unknown.

All of Us Research Program, National Institutes of Health
Classification: Uncertain significance for Lynch syndrome. Last evaluated: 2023-08-15. Review status: criteria provided, single submitter. Criteria: ACMG Guidelines, 2015. Collection method: clinical testing. Allele origin: germline. Inheritance: Autosomal dominant inheritance. Observed: 1 variant allele, 1 heterozygote.
Comment: This study involves interpretation of variants in research participants for the purpose of population health screening. Participant phenotype was not available at the time of variant classification. Additional details can be found in publication PMID: 35346344, PMCID: PMC8962531

GeneDx
Classification: Uncertain significance. Last evaluated: 2016-03-22. Review status: criteria provided, single submitter. Criteria: GeneDx Variant Classification (06012015). Collection method: clinical testing. Allele origin: germline. Affected: yes.
Comment: This variant is denoted MSH6 c.248C>A at the cDNA level, p.Ala83Asp (A83D) at the protein level, and results in the change of an Alanine to an Aspartic Acid (GCT>GAT). This variant has not, to our knowledge, been published in the literature as pathogenic or benign. MSH6 Ala83Asp was not observed in approximately 4,900 individuals of European and African American ancestry in the NHLBI Exome Sequencing Project, suggesting it is not a common benign variant in these populations. Since Alanine and Aspartic Acid differ in polarity, charge, size or other properties, this is considered a non-conservative amino acid substitution. MSH6 Ala83Asp occurs at a position that is not conserved and is not located in a known functional domain (Kariola 2002, Terui 2013). In silico analyses predict that this variant is unlikely to alter protein structure or function. Based on currently available evidence, it is unclear whether MSH6 Ala83Asp is a pathogenic or benign variant. We consider it to be a variant of uncertain significance.